The following is an entry in ClinVar:

ClinVar aggregate classification (germline): Uncertain significance (1 of 4 stars; one submission).

Submission:

Labcorp Genetics (formerly Invitae), Labcorp
Classification: Uncertain significance. Last evaluated: 2024-10-24. Review status: criteria provided, single submitter. Criteria: Invitae Variant Classification Sherloc (09022015). Collection method: clinical testing. Allele origin: germline.
Comment: This sequence change replaces arginine, which is basic and polar, with cysteine, which is neutral and slightly polar, at codon 234 of the NECTIN1 protein (p.Arg234Cys). This variant is present in population databases (rs747086699, gnomAD 0.006%). This variant has not been reported in the literature in individuals affected with NECTIN1-related conditions. An algorithm developed to predict the effect of missense changes on protein structure and function (PolyPhen-2) suggests that this variant is likely to be disruptive. In summary, the available evidence is currently insufficient to determine the role of this variant in disease. Therefore, it has been classified as a Variant of Uncertain Significance.

NM_002855.5(NECTIN1):c.700C>T (p.Arg234Cys)

Gene: NECTIN1 (nectin cell adhesion molecule 1; minus strand). Cytogenetic location: 11q23.3.
Variant type: single nucleotide variant.
Coding change: c.700C>T on transcript NM_002855.5 (MANE Select); coding-DNA position 700, C replaced by T.
Protein change: p.Arg234Cys; replaces arginine 234 with cysteine.
Molecular consequence: missense variant.
Genome position (GRCh38, 1-based): chr11:119,677,588, G>A on the plus strand (C>T on the coding strand, the complement: NECTIN1 is on the minus strand). VCF-style: chr11-119677588-G-A. GRCh37 (hg19) VCF-style: chr11-119548298-G-A.
Other names: c.700C>T, p.Arg234Cys (NM_203285.2, NM_203286.2); short protein forms R234C.
Identifiers: ClinVar variation 3616240 (VCV003616240.2).